The following is an entry in ClinVar:

ClinVar aggregate classification (germline): Benign (1 of 4 stars; one submission).

Conditions:
DNAH7-related disorder. Also called: DNAH7-related condition.

gnomAD v4.1: 21,026 of 1,555,646 alleles (1.4%); highest among the groups gnomAD compares: East Asian, 25%; 1,805 homozygotes.

Submission:

PreventionGenetics, part of Exact Sciences
Classification: Benign for DNAH7-related condition. Last evaluated: 2025-02-27. Review status: criteria provided, single submitter. Criteria: ACMG Guidelines, 2015. Collection method: clinical testing. Allele origin: germline.
Comment: This variant is classified as benign based on ACMG/AMP sequence variant interpretation guidelines (Richards et al. 2015 PMID: 25741868, with internal and published modifications).

NM_018897.3(DNAH7):c.2206-9T>C

Gene: DNAH7 (dynein axonemal heavy chain 7; minus strand). Cytogenetic location: 2q32.3.
Variant type: single nucleotide variant.
Coding change: c.2206-9T>C on transcript NM_018897.3 (MANE Select); 9 bases into the intron before coding-DNA position 2206, T replaced by C.
Molecular consequence: intron variant.
Genome position (GRCh38, 1-based): chr2:195,960,954, A>G on the plus strand (T>C on the coding strand, the complement: DNAH7 is on the minus strand). VCF-style: chr2-195960954-A-G. GRCh37 (hg19) VCF-style: chr2-196825678-A-G.
Identifiers: ClinVar variation 4983830 (VCV004983830.1).